The following is an entry in ClinVar:

NM_001009944.3(PKD1):c.6704C>G (p.Ser2235Ter)

Gene: PKD1 (polycystin 1, transient receptor potential channel interacting; minus strand). Cytogenetic location: 16p13.3.
Variant type: single nucleotide variant.
Coding change: c.6704C>G on transcript NM_001009944.3 (MANE Select); coding-DNA position 6704, C replaced by G.
Protein change: p.Ser2235Ter; replaces serine 2235 with a stop codon.
Molecular consequence: nonsense.
Genome position (GRCh38, 1-based): chr16:2,108,463, G>C on the plus strand (C>G on the coding strand, the complement: PKD1 is on the minus strand). VCF-style: chr16-2108463-G-C. GRCh37 (hg19) VCF-style: chr16-2158464-G-C.
Other names: c.6704C>G, p.Ser2235Ter (NM_000296.4); short protein forms S2235*.
Identifiers: ClinVar variation 4853780 (VCV004853780.1).

ClinVar aggregate classification (germline): Pathogenic (1 of 4 stars; one submission).

Conditions:
Polycystic kidney disease, adult type (PKD1). Also called: Polycystic Kidney, Autosomal Dominant; POLYCYSTIC KIDNEY DISEASE, ADULT, TYPE I; Polycystic Kidney Disease 1, Autosomal Dominant; Polycystic kidney disease 1; Polycystic kidney disease 1, severe; POLYCYSTIC KIDNEY DISEASE 1 WITH OR WITHOUT POLYCYSTIC LIVER DISEASE. Identifiers: MedGen C3149841, MONDO:0008263, OMIM 173900.

Submission:

Women's Health and Genetics/Laboratory Corporation of America, LabCorp
Classification: Pathogenic for Polycystic kidney disease, adult type. Last evaluated: 2026-05-19. Review status: criteria provided, single submitter. Criteria: LabCorp Variant Classification Summary - May 2015. Collection method: clinical testing. Allele origin: germline.
Comment: Variant summary: PKD1 c.6704C>G (p.Ser2235X) results in a premature termination codon, predicted to cause a truncation of the encoded protein or absence of the protein due to nonsense mediated decay, which are commonly known mechanisms for disease. The variant was absent in 246866 control chromosomes (gnomAD). c.6704C>G has been observed in an individual affected with Autosomal Dominant Polycystic Kidney Disease (Zhang_2018). The following publication have been ascertained in the context of this evaluation (PMID: 29633482). No submitters have cited clinical-significance assessments for this variant to ClinVar. Based on the evidence outlined above, the variant was classified as pathogenic.

Literature cited by the submitters: PubMed 29633482.